The following is an entry in ClinVar:

NM_000455.5(STK11):c.921-4G>A

Gene: STK11 (serine/threonine kinase 11; plus strand). Cytogenetic location: 19p13.3.
Variant type: single nucleotide variant.
Coding change: c.921-4G>A on transcript NM_000455.5 (MANE Select); 4 bases into the intron before coding-DNA position 921, G replaced by A.
Molecular consequence: intron variant.
Genome position (GRCh38, 1-based): chr19:1,222,981, G>A. VCF-style: chr19-1222981-G-A. GRCh37 (hg19) VCF-style: chr19-1222980-G-A.
Identifiers: ClinVar variation 385320 (VCV000385320.3), dbSNP rs1057522188, ClinGen allele CA16608087.

ClinVar aggregate classification (germline): Likely benign. Review status: criteria provided, multiple submitters, no conflicts (2 of 4 stars). 2 submissions from 2 submitters: Likely benign (2). Last evaluated 2022-09-28.

Conditions:
Hereditary cancer-predisposing syndrome. Also called: Hereditary Cancer Syndrome; Hereditary neoplastic syndrome; Neoplastic Syndromes, Hereditary; Tumor predisposition. Identifiers: Orphanet 140162, MedGen C0027672, MeSH D009386, MONDO:0015356.

Submissions (2):

Ambry Genetics
Classification: Likely benign for Hereditary cancer-predisposing syndrome. Last evaluated: 2022-09-28. Review status: criteria provided, single submitter. Criteria: Ambry Variant Classification Scheme 2023. Collection method: clinical testing. Allele origin: germline.

GeneDx
Classification: Likely benign. Last evaluated: 2016-04-04. Review status: criteria provided, single submitter. Criteria: GeneDx Variant Classification (06012015). Collection method: clinical testing. Allele origin: germline. Affected: yes.
Comment: This variant is considered likely benign or benign based on one or more of the following criteria: it is a conservative change, it occurs at a poorly conserved position in the protein, it is predicted to be benign by multiple in silico algorithms, and/or has population frequency not consistent with disease.